The following is an entry in ClinVar:

ClinVar aggregate classification (germline): Likely benign (1 of 4 stars; one submission).

Allele frequency attached by ClinVar (database versions not stated): 1000 Genomes Project 0.00180; 1000 Genomes Project 30x 0.00187; gnomAD 0.00486; TOPMed 0.00519; ExAC 0.00532; ESP Exome Variant Server 0.00554.
gnomAD v4.1: 9,277 of 1,613,184 alleles (0.58%); highest among the groups gnomAD compares: Middle Eastern, 3.6%; 55 homozygotes.

Submission:

CeGaT Center for Human Genetics Tuebingen
Classification: Likely benign. Last evaluated: 2023-01-01. Review status: criteria provided, single submitter. Criteria: CeGaT Center For Human Genetics Tuebingen Variant Classification Criteria Version 2. Collection method: clinical testing. Allele origin: germline. Affected: yes. Observed: 1 variant allele.
Comment: TWSG1: BP4, BP7, BS2

NM_020648.6(TWSG1):c.144G>A (p.Pro48=)

Gene: TWSG1 (twisted gastrulation BMP signaling modulator 1; plus strand). Cytogenetic location: 18p11.22.
Variant type: single nucleotide variant.
Coding change: c.144G>A on transcript NM_020648.6 (MANE Select); coding-DNA position 144, G replaced by A.
Protein change: p.Pro48=; no amino-acid change (proline 48 retained).
Molecular consequence: synonymous variant.
Genome position (GRCh38, 1-based): chr18:9,359,992, G>A. VCF-style: chr18-9359992-G-A. GRCh37 (hg19) VCF-style: chr18-9359990-G-A.
Identifiers: ClinVar variation 2648565 (VCV002648565.24), dbSNP rs142770364, ClinGen allele CA8888664.
Genomic context (GRCh38, chr18:9,359,992, plus strand): 5'-TTATTTGGAATTTGAAGTTTAACATCTGTCTTGTTTCTAGGAGCTCTGCCAGTGCCGGCC[G>A]GGAGAAGGCAATTGCTCCTGCTGTAAGGAGTGCATGCTGTGTCTTGGGGCCCTTTGGGAC-3'
Protein context (NP_065699.1, residues 38-58): CLIQELCQCR[Pro48=]GEGNCSCCKE